The following is an entry in ClinVar:

ClinVar aggregate classification (germline): Uncertain significance (1 of 4 stars; one submission).

Conditions:
Leber congenital amaurosis 3 (LCA3). Also called: SPATA7-Related Retinitis Pigmentosa. Identifiers: MedGen C1858677, MONDO:0011415, OMIM 604232.

Submission:

Labcorp Genetics (formerly Invitae), Labcorp
Classification: Uncertain significance for Leber congenital amaurosis 3. Last evaluated: 2022-04-12. Review status: criteria provided, single submitter. Criteria: Invitae Variant Classification Sherloc (09022015). Collection method: clinical testing. Allele origin: germline.
Comment: This variant has not been reported in the literature in individuals affected with SPATA7-related conditions. This variant is not present in population databases (gnomAD no frequency). This sequence change replaces proline, which is neutral and non-polar, with arginine, which is basic and polar, at codon 14 of the SPATA7 protein (p.Pro14Arg). In summary, the available evidence is currently insufficient to determine the role of this variant in disease. Therefore, it has been classified as a Variant of Uncertain Significance. Algorithms developed to predict the effect of missense changes on protein structure and function are either unavailable or do not agree on the potential impact of this missense change (SIFT: "Deleterious"; PolyPhen-2: "Probably Damaging"; Align-GVGD: "Class C0").

NM_018418.5(SPATA7):c.41C>G (p.Pro14Arg)

Gene: SPATA7 (spermatogenesis associated 7; plus strand). Cytogenetic location: 14q31.3.
Variant type: single nucleotide variant.
Coding change: c.41C>G on transcript NM_018418.5 (MANE Select); coding-DNA position 41, C replaced by G.
Protein change: p.Pro14Arg; replaces proline 14 with arginine.
Molecular consequence: missense variant.
Genome position (GRCh38, 1-based): chr14:88,391,402, C>G. VCF-style: chr14-88391402-C-G. GRCh37 (hg19) VCF-style: chr14-88857746-C-G.
Other names: c.41C>G, p.Pro14Arg (NM_001040428.4); short protein forms P14R.
Identifiers: ClinVar variation 2125267 (VCV002125267.4), dbSNP rs2504078782, ClinGen allele CA390545012.